The following is an entry in ClinVar:

ClinVar aggregate classification (germline): Uncertain significance (1 of 4 stars; one submission).

Submission:

Labcorp Genetics (formerly Invitae), Labcorp
Classification: Uncertain significance. Last evaluated: 2022-02-09. Review status: criteria provided, single submitter. Criteria: Invitae Variant Classification Sherloc (09022015). Collection method: clinical testing. Allele origin: germline.
Comment: In summary, the available evidence is currently insufficient to determine the role of this variant in disease. Therefore, it has been classified as a Variant of Uncertain Significance. Algorithms developed to predict the effect of missense changes on protein structure and function (SIFT, PolyPhen-2, Align-GVGD) all suggest that this variant is likely to be disruptive. This variant has not been reported in the literature in individuals affected with ABCG8-related conditions. This variant is not present in population databases (gnomAD no frequency). This sequence change replaces arginine, which is basic and polar, with tryptophan, which is neutral and slightly polar, at codon 475 of the ABCG8 protein (p.Arg475Trp).

NM_022437.3(ABCG8):c.1423A>T (p.Arg475Trp)

Gene: ABCG8 (ATP binding cassette subfamily G member 8; plus strand). Cytogenetic location: 2p21.
Variant type: single nucleotide variant.
Coding change: c.1423A>T on transcript NM_022437.3 (MANE Select); coding-DNA position 1423, A replaced by T.
Protein change: p.Arg475Trp; replaces arginine 475 with tryptophan.
Molecular consequence: missense variant.
Genome position (GRCh38, 1-based): chr2:43,874,418, A>T. VCF-style: chr2-43874418-A-T. GRCh37 (hg19) VCF-style: chr2-44101557-A-T.
Other names: c.1420A>T, p.Arg474Trp (NM_001357321.2); short protein forms R474W, R475W.
Identifiers: ClinVar variation 1901660 (VCV001901660.5), dbSNP rs369979353, ClinGen allele CA346669777.
Genomic context (GRCh38, chr2:43,874,418, plus strand): 5'-TAGATTTATTCTACTTCTTCATTCTCTTTTCCTTTCCCTTACTTTTTAGGTTACTCAGAG[A>T]GGGCAATGCTTTACTATGAACTGGAAGACGGGCTGTACACCACTGGTCCATATTTCTTTG-3'
Protein context (NP_071882.1, residues 465-485): LDVISKCYSE[Arg475Trp]AMLYYELEDG